The following is an entry in ClinVar:

ClinVar aggregate classification (germline): Uncertain significance (1 of 4 stars; one submission).

Conditions:
Combined immunodeficiency due to MALT1 deficiency. Also called: Immunodeficiency 12. Identifiers: Orphanet 397964, MedGen C3809583, MONDO:0014197, OMIM 615468.

Submission:

Labcorp Genetics (formerly Invitae), Labcorp
Classification: Uncertain significance for Combined immunodeficiency due to MALT1 deficiency. Last evaluated: 2021-08-03. Review status: criteria provided, single submitter. Criteria: Invitae Variant Classification Sherloc (09022015). Collection method: clinical testing. Allele origin: germline.
Comment: This sequence change replaces alanine with glycine at codon 48 of the MALT1 protein (p.Ala48Gly). The alanine residue is moderately conserved and there is a small physicochemical difference between alanine and glycine. In summary, the available evidence is currently insufficient to determine the role of this variant in disease. Therefore, it has been classified as a Variant of Uncertain Significance. Algorithms developed to predict the effect of missense changes on protein structure and function are either unavailable or do not agree on the potential impact of this missense change (SIFT: "Tolerated"; PolyPhen-2: "Probably Damaging"; Align-GVGD: "Class C0"). This variant has not been reported in the literature in individuals affected with MALT1-related conditions. The frequency data for this variant in the population databases is considered unreliable, as metrics indicate insufficient coverage at this position in the ExAC database.

NM_006785.4(MALT1):c.143C>G (p.Ala48Gly)

Genes: MALT1 (MALT1 paracaspase; plus strand), MALT1-AS1 (MALT1 antisense RNA 1; minus strand), LOC130062586 (ATAC-STARR-seq lymphoblastoid silent region 9487; plus strand). Cytogenetic location: 18q21.32.
Variant type: single nucleotide variant.
Coding change: c.143C>G on transcript NM_006785.4 (MANE Select); coding-DNA position 143, C replaced by G.
Protein change: p.Ala48Gly; replaces alanine 48 with glycine.
Molecular consequence: missense variant. On other transcripts: non-coding transcript variant (1).
Genome position (GRCh38, 1-based): chr18:58,671,786, C>G. VCF-style: chr18-58671786-C-G. GRCh37 (hg19) VCF-style: chr18-56339018-C-G.
Other names: c.143C>G, p.Ala48Gly (NM_173844.3); short protein forms A48G.
Identifiers: ClinVar variation 1510036 (VCV001510036.6), dbSNP rs1602263367, ClinGen allele CA402571469.